The following is an entry in ClinVar:

ClinVar aggregate classification (germline): Pathogenic (1 of 4 stars; one submission).

Submission:

Labcorp Genetics (formerly Invitae), Labcorp
Classification: Pathogenic. Last evaluated: 2023-10-14. Review status: criteria provided, single submitter. Criteria: Invitae Variant Classification Sherloc (09022015). Collection method: clinical testing. Allele origin: germline.
Comment: This sequence change creates a premature translational stop signal (p.Lys512Serfs*23) in the CCDC88C gene. It is expected to result in an absent or disrupted protein product. Loss-of-function variants in CCDC88C are known to be pathogenic (PMID: 23042809, 29225145). This variant is not present in population databases (gnomAD no frequency). This variant has not been reported in the literature in individuals affected with CCDC88C-related conditions. For these reasons, this variant has been classified as Pathogenic.

Literature cited by the submitters: PubMed 23042809; PubMed 29225145.

NM_001080414.4(CCDC88C):c.1535del (p.Lys512fs)

Gene: CCDC88C (coiled-coil and HOOK domain protein 88C; minus strand). Cytogenetic location: 14q32.11.
Variant type: Deletion.
Coding change: c.1535del on transcript NM_001080414.4 (MANE Select); coding-DNA position 1535, one base deleted (A; older notation c.1535delA).
Protein change: p.Lys512fs; shifts the reading frame from lysine 512.
Molecular consequence: frameshift variant.
Genome position (GRCh38, 1-based): chr14:91,315,780, T deleted on the plus strand (A on the coding strand, the reverse complement: CCDC88C is on the minus strand); the first of 4 consecutive T bases (chr14:91,315,780-91,315,783); deleting any one gives the same sequence. VCF-style (leftmost placement, unchanged base first): chr14-91315779-CT-C. GRCh37 (hg19) VCF-style: chr14-91782123-CT-C.
Other names: short protein forms K512fs.
Identifiers: ClinVar variation 2768340 (VCV002768340.3), dbSNP rs2544398331, ClinGen allele CA2697554129.